The following is an entry in ClinVar:

ClinVar aggregate classification (germline): Uncertain significance. Review status: criteria provided, multiple submitters, no conflicts (2 of 4 stars). 2 submissions from 2 submitters: Uncertain significance (2). Last evaluated 2022-11-28.

Conditions:
Orofaciodigital syndrome type 6 (OFD6). Also called: Oral-facial-digital syndrome type 6; Central polydactyly cleft lip/palate or lingual lump and psychomotor retardation; Y-shaped central metacarpal and cerebellar defect; Joubert syndrome with orofacialdigital anomalies; VARADI SYNDROME; VARADI-PAPP SYNDROME. Identifiers: Orphanet 2754, MedGen C2745997, MONDO:0010176, OMIM 277170.
Joubert syndrome 17 (JBTS17). Identifiers: Orphanet 475, MedGen C3553264, MONDO:0013824, OMIM 614615.

Allele frequency attached by ClinVar (database versions not stated): gnomAD exomes below 0.00001; gnomAD 0.00001; TOPMed 0.00002.
gnomAD v4.1: 8 of 1,613,984 alleles (0.0005%); highest among the groups gnomAD compares: African/African-American, 0.0067%; no homozygotes.

Submissions (2):

Labcorp Genetics (formerly Invitae), Labcorp
Classification: Uncertain significance. Last evaluated: 2022-11-28. Review status: criteria provided, single submitter. Criteria: Invitae Variant Classification Sherloc (09022015). Collection method: clinical testing. Allele origin: germline.
Comment: ClinVar contains an entry for this variant (Variation ID: 1420528). This variant has not been reported in the literature in individuals affected with CPLANE1-related conditions. This variant is present in population databases (no rsID available, gnomAD 0.007%). This sequence change affects codon 2019 of the CPLANE1 mRNA. It is a 'silent' change, meaning that it does not change the encoded amino acid sequence of the CPLANE1 protein. In summary, the available evidence is currently insufficient to determine the role of this variant in disease. Therefore, it has been classified as a Variant of Uncertain Significance. Algorithms developed to predict the effect of sequence changes on RNA splicing suggest that this variant may create or strengthen a splice site.

Fulgent Genetics
Classification: Uncertain significance for Orofaciodigital syndrome type 6; Joubert syndrome 17. Last evaluated: 2021-10-14. Review status: criteria provided, single submitter. Criteria: ACMG Guidelines, 2015. Collection method: clinical testing. Allele origin: unknown.

NM_001384732.1(CPLANE1):c.6057A>G (p.Gln2019=)

Gene: CPLANE1 (ciliogenesis and planar polarity effector complex subunit 1; minus strand). Cytogenetic location: 5p13.2.
Variant type: single nucleotide variant.
Coding change: c.6057A>G on transcript NM_001384732.1 (MANE Select); coding-DNA position 6057, A replaced by G.
Protein change: p.Gln2019=; no amino-acid change (glutamine 2019 retained).
Molecular consequence: synonymous variant.
Genome position (GRCh38, 1-based): chr5:37,173,869, T>C on the plus strand (A>G on the coding strand, the complement: CPLANE1 is on the minus strand). VCF-style: chr5-37173869-T-C. GRCh37 (hg19) VCF-style: chr5-37173971-T-C.
Other names: c.6057A>G, p.Gln2019= (NM_023073.4).
Identifiers: ClinVar variation 1420528 (VCV001420528.6), dbSNP rs938358328, ClinGen allele CA117058115.